The following is an entry in ClinVar:

ClinVar aggregate classification (germline): Pathogenic. Review status: reviewed by expert panel (3 of 4 stars). 5 submissions from 5 submitters: Pathogenic (1). 4 of the submissions do not count toward it. Last evaluated 2026-08-24.

Conditions:
Corneal dystrophy, Fuchs endothelial, 3 (FECD3). Also called: FCD2 LOCUS. Identifiers: Orphanet 98974, MedGen C2750451, MONDO:0013203, OMIM 613267.
Pitt-Hopkins syndrome (PTHS). Also called: ENCEPHALOPATHY, SEVERE EPILEPTIC, WITH AUTONOMIC DYSFUNCTION; MENTAL RETARDATION, SYNDROMAL, WITH INTERMITTENT HYPERVENTILATION. Identifiers: Orphanet 2896, MedGen C1970431, MONDO:0012589, OMIM 610954.
TCF4-related disorder. Also called: TCF4-related condition.

Submissions (5):

ClinGen Rett and Angelman-like Disorders Variant Curation Expert Panel
Classification: Pathogenic for Pitt-Hopkins syndrome. Last evaluated: 2026-08-24. Review status: reviewed by expert panel. Criteria: ClinGen RettAS ACMG Specifications TCF4 V6.0. Collection method: curation. Allele origin: germline. Inheritance: Autosomal dominant inheritance.
Comment: The p.Arg569Gln variant in TCF4 has been reported as a de novo occurrence (biological parentage confirmed) in at least 2 individuals with clinical features of Pitt-Hopkins syndrome (internal database - GeneDx; internal database - Greenwood Genetic Center) (PS2_Very Strong). The p.Arg569Gln variant has been observed in at least 1 additional individual with clinical features of Pitt-Hopkins syndrome (internal database - GeneDx) (PS4_Moderate). The p.Arg569Gln variant in TCF4 has been reported in an individual with autism spectrum disorder (PMID 40869941) (no criteria met). The p.Arg569Gln variant occurs in the well-characterized Basic Helix-Loop-Helix functional domain of the TCF4 gene (PM1). A pathogenic missense variant (p.Arg569Trp) has been previously identified within this codon which indicates that this residue is critical to the function of the protein (PMID 29695756) (PM5). The p.Arg569Gln variant in TCF4 is absent from gnomAD v4.1 (PM2_Supporting). Computational prediction analysis tools suggests a deleterious impact; however, this information does not predict clinical significance on its own (PP3). In summary, the p.Arg569Gln variant in TCF4 is classified as Pathogenic for Pitt-Hopkins syndrome based on the ACMG/AMP criteria (PS2_Very Strong, PM1, PM5, PS4_Moderate, PM2_Supporting, PP3). (TCF4 Specifications v6.0; curation approved on 8/24/2026)

PreventionGenetics, part of Exact Sciences
Classification: Uncertain significance for TCF4-related condition. Last evaluated: 2025-05-29. Review status: criteria provided, single submitter. Criteria: ACMG Guidelines, 2015. Collection method: clinical testing. Allele origin: germline. Not counted in ClinVar's aggregate classification.
Comment: The TCF4 c.1706G>A variant is predicted to result in the amino acid substitution p.Arg569Gln. To our knowledge, this variant has not been reported in the literature or in a large population database (gnomAD), indicating this variant is rare. An alternate nucleotide change affecting the same amino acid (p.Arg569Trp) has been reported in an individual with Pitt-Hopkins Syndrome (Whalen et al. 2012. PubMed ID: 22045651). Although we suspect that this variant (p.Arg569Gln) may be pathogenic, at this time, the clinical significance of this variant is uncertain due to the absence of conclusive functional and genetic evidence.

GeneDx
Classification: Pathogenic. Last evaluated: 2024-12-18. Review status: criteria provided, single submitter. Criteria: GeneDx Variant Classification Process June 2021. Collection method: clinical testing. Allele origin: germline. Affected: yes. Not counted in ClinVar's aggregate classification.
Comment: Not observed at significant frequency in large population cohorts (gnomAD); In silico analysis supports that this missense variant has a deleterious effect on protein structure/function; Has not been previously published as pathogenic or benign to our knowledge

Greenwood Genetic Center Diagnostic Laboratories, Greenwood Genetic Center
Classification: Pathogenic for Pitt-Hopkins syndrome. Last evaluated: 2024-01-30. Review status: criteria provided, single submitter. Criteria: ACMG Guidelines, 2015. Collection method: clinical testing. Allele origin: germline. Affected: yes. Not counted in ClinVar's aggregate classification.
Comment: PS2, PM2, PM5, PP2, PP3

Juno Genomics, Hangzhou Juno Genomics, Inc
Classification: Uncertain significance for Corneal dystrophy, Fuchs endothelial, 3; Pitt-Hopkins syndrome. Review status: criteria provided, single submitter. Criteria: ACMG Guidelines, 2015. Collection method: clinical testing. Allele origin: germline. Affected: yes. Not counted in ClinVar's aggregate classification.
Comment: Absent from controls (or at extremely low frequency if recessive) in Genome Aggregation Database, Exome Sequencing Project, 1000 Genomes Project, or Exome Aggregation Consortium.;Multiple lines of computational evidence support a deleterious effect on the gene or gene product (conservation, evolutionary, splicing impact, etc).;Located in a mutational hot spot and/or critical and well-established functional domain (e.g. active site of an enzyme) without benign variation.

NM_001083962.2(TCF4):c.1706G>A (p.Arg569Gln)

Gene: TCF4 (transcription factor 4; minus strand). Cytogenetic location: 18q21.2.
Variant type: single nucleotide variant.
Coding change: c.1706G>A on transcript NM_001083962.2 (MANE Select); coding-DNA position 1706, G replaced by A.
Protein change: p.Arg569Gln; replaces arginine 569 with glutamine.
Molecular consequence: missense variant.
Genome position (GRCh38, 1-based): chr18:55,229,020, C>T on the plus strand (G>A on the coding strand, the complement: TCF4 is on the minus strand). VCF-style: chr18-55229020-C-T. GRCh37 (hg19) VCF-style: chr18-52896251-C-T.
Other names: NM_001083962.2(TCF4):c.1706G>A; p.Arg569Gln; c.2012G>A, p.Arg671Gln (NM_001243226.3); c.1634G>A, p.Arg545Gln (NM_001243227.2, NM_001348218.2, NM_001348217.1 and 1 more transcripts); c.1724G>A, p.Arg575Gln (NM_001243228.2); c.1685G>A, p.Arg562Gln (NM_001243230.2); c.1568G>A, p.Arg523Gln (NM_001243231.2); c.1493G>A, p.Arg498Gln (NM_001243232.1); and 17 more; short protein forms R353Q, R404Q, R405Q, R409Q, R435Q, R439Q, R494Q, R498Q.
Identifiers: ClinVar variation 3235863 (VCV003235863.5), dbSNP rs2511499903, ClinGen allele CA402528992.